The following is an entry in ClinVar:

NM_001367949.2(FAT3):c.7075C>T (p.His2359Tyr)

Gene: FAT3 (FAT atypical cadherin 3; plus strand). Cytogenetic location: 11q14.3.
Variant type: single nucleotide variant.
Coding change: c.7075C>T on transcript NM_001367949.2 (MANE Select); coding-DNA position 7075, C replaced by T.
Protein change: p.His2359Tyr; replaces histidine 2359 with tyrosine.
Molecular consequence: missense variant.
Genome position (GRCh38, 1-based): chr11:92,800,088, C>T. VCF-style: chr11-92800088-C-T. GRCh37 (hg19) VCF-style: chr11-92533254-C-T.
Other names: c.7075C>T, p.His2359Tyr (NM_001008781.3); short protein forms H2359Y.
Identifiers: ClinVar variation 776644 (VCV000776644.7), dbSNP rs80046666, ClinGen allele CA6227389.

ClinVar aggregate classification (germline): Benign. Review status: criteria provided, multiple submitters, no conflicts (2 of 4 stars). 3 submissions from 3 submitters: Benign (2). 1 of the submissions does not count toward it. Last evaluated 2019-12-31.

Conditions:
FAT3-related disorder. Also called: FAT3-related condition.

Allele frequency attached by ClinVar (database versions not stated): gnomAD exomes 0.00254; ExAC 0.00293; gnomAD 0.00932 and 0.00997; 1000 Genomes Project 30x 0.00953; ESP Exome Variant Server 0.00965; 1000 Genomes Project 0.00978; TOPMed 0.01111.
gnomAD v4.1: 2,883 of 1,613,974 alleles (0.18%); highest among the groups gnomAD compares: African/African-American, 3.3%; 49 homozygotes.

Submissions (3):

Labcorp Genetics (formerly Invitae), Labcorp
Classification: Benign. Last evaluated: 2019-12-31. Review status: criteria provided, single submitter. Criteria: Invitae Variant Classification Sherloc (09022015). Collection method: clinical testing. Allele origin: germline.

Breakthrough Genomics
Classification: Benign. Review status: criteria provided, single submitter. Criteria: ACMG Guidelines, 2015. Collection method: not provided. Allele origin: germline. Inheritance: Unknown mechanism. Affected: yes.

PreventionGenetics, part of Exact Sciences
Classification: Benign for FAT3-related condition. Last evaluated: 2019-03-26. Review status: no assertion criteria provided. Collection method: clinical testing. Allele origin: germline. Not counted in ClinVar's aggregate classification.
Comment: This variant is classified as benign based on ACMG/AMP sequence variant interpretation guidelines (Richards et al. 2015 PMID: 25741868, with internal and published modifications).